The following is an entry in ClinVar:

ClinVar aggregate classification (germline): Likely benign (1 of 4 stars; one submission).

Allele frequency attached by ClinVar (database versions not stated): gnomAD exomes below 0.00001.
gnomAD v4.1: 1 of 1,614,146 alleles (0.000062%); highest among the groups gnomAD compares: Non-Finnish European, 0.000085%; no homozygotes.

Submission:

CeGaT Center for Human Genetics Tuebingen
Classification: Likely benign. Last evaluated: 2023-07-01. Review status: criteria provided, single submitter. Criteria: CeGaT Center For Human Genetics Tuebingen Variant Classification Criteria Version 2. Collection method: clinical testing. Allele origin: germline. Affected: yes. Observed: 1 variant allele.
Comment: APC: PM2:Supporting, BP4, BP7

NM_000038.6(APC):c.3564T>G (p.Pro1188=)

Gene: APC (APC regulator of Wnt signaling pathway; plus strand). Cytogenetic location: 5q22.2.
Variant type: single nucleotide variant.
Coding change: c.3564T>G on transcript NM_000038.6 (MANE Select); coding-DNA position 3564, T replaced by G.
Protein change: p.Pro1188=; no amino-acid change (proline 1188 retained).
Molecular consequence: synonymous variant. On other transcripts: non-coding transcript variant (2).
Genome position (GRCh38, 1-based): chr5:112,839,158, T>G. VCF-style: chr5-112839158-T-G. GRCh37 (hg19) VCF-style: chr5-112174855-T-G.
Other names: c.3564T>G, p.Pro1188= (NM_001127510.3, NM_001354895.2, NM_001407450.1); c.3510T>G, p.Pro1170= (NM_001127511.3); c.3618T>G, p.Pro1206= (NM_001354896.2, NM_001407447.1, NM_001407448.1 and 1 more transcripts); c.3594T>G, p.Pro1198= (NM_001354897.2); c.3489T>G, p.Pro1163= (NM_001354898.2); c.3480T>G, p.Pro1160= (NM_001354899.2); c.3441T>G, p.Pro1147= (NM_001354900.2); c.3387T>G, p.Pro1129= (NM_001354901.2, NM_001407453.1); and 11 more.
Identifiers: ClinVar variation 2578981 (VCV002578981.25), dbSNP rs1367649227, ClinGen allele CA445963596.